The following is an entry in ClinVar:

NM_014780.5(CUL7):c.4346C>T (p.Thr1449Met)

Gene: CUL7 (cullin 7; minus strand). Cytogenetic location: 6p21.1.
Variant type: single nucleotide variant.
Coding change: c.4346C>T on transcript NM_014780.5 (MANE Select); coding-DNA position 4346, C replaced by T.
Protein change: p.Thr1449Met; replaces threonine 1449 with methionine.
Molecular consequence: missense variant.
Genome position (GRCh38, 1-based): chr6:43,038,936, G>A on the plus strand (C>T on the coding strand, the complement: CUL7 is on the minus strand). VCF-style: chr6-43038936-G-A. GRCh37 (hg19) VCF-style: chr6-43006674-G-A.
Other names: c.4442C>T, p.Thr1481Met (NM_001168370.2, NM_001374872.1); c.4346C>T, p.Thr1449Met (NM_001374873.1); c.4343C>T, p.Thr1448Met (NM_001374874.1); short protein forms T1449M, T1448M, T1481M.
Identifiers: ClinVar variation 356824 (VCV000356824.11), dbSNP rs144111004, ClinGen allele CA3813233.

ClinVar aggregate classification (germline): Uncertain significance. Review status: criteria provided, multiple submitters, no conflicts (2 of 4 stars). 3 submissions from 3 submitters: Uncertain significance (3). Last evaluated 2022-10-05.

Conditions:
3M syndrome 1. Also called: 3-M Syndrome, CUL7-Related. Identifiers: Orphanet 2616, MedGen C2678312, MONDO:0010117, OMIM 273750.

Allele frequency attached by ClinVar (database versions not stated): gnomAD exomes 0.00011 and 0.00012; TOPMed 0.00011; ExAC 0.00012; gnomAD 0.00013 and 0.00014; ESP Exome Variant Server 0.00015.
gnomAD v4.1: 186 of 1,612,926 alleles (0.012%); highest among the groups gnomAD compares: Non-Finnish European, 0.014%; no homozygotes.

Submissions (3):

Blueprint Genetics
Classification: Uncertain significance. Last evaluated: 2022-10-05. Review status: criteria provided, single submitter. Criteria: ACMG Guidelines, 2015. Collection method: clinical testing. Allele origin: germline.

Labcorp Genetics (formerly Invitae), Labcorp
Classification: Uncertain significance. Last evaluated: 2022-07-25. Review status: criteria provided, single submitter. Criteria: Invitae Variant Classification Sherloc (09022015). Collection method: clinical testing. Allele origin: germline.
Comment: This sequence change replaces threonine, which is neutral and polar, with methionine, which is neutral and non-polar, at codon 1449 of the CUL7 protein (p.Thr1449Met). This variant is present in population databases (rs144111004, gnomAD 0.02%). This variant has not been reported in the literature in individuals affected with CUL7-related conditions. ClinVar contains an entry for this variant (Variation ID: 356824). Algorithms developed to predict the effect of missense changes on protein structure and function (SIFT, PolyPhen-2, Align-GVGD) all suggest that this variant is likely to be disruptive. In summary, the available evidence is currently insufficient to determine the role of this variant in disease. Therefore, it has been classified as a Variant of Uncertain Significance.

Illumina Laboratory Services, Illumina
Classification: Uncertain significance for 3M syndrome 1. Last evaluated: 2018-01-12. Review status: criteria provided, single submitter. Criteria: ICSL Variant Classification Criteria 13 December 2019. Collection method: clinical testing. Allele origin: germline.